The following is an entry in ClinVar:

ClinVar aggregate classification (germline): Uncertain significance. Review status: criteria provided, multiple submitters, no conflicts (2 of 4 stars). 2 submissions from 2 submitters: Uncertain significance (2). Last evaluated 2024-05-26.

Conditions:
Inborn genetic diseases. Identifiers: MedGen C0950123, MeSH D030342.

gnomAD v4.1: 3 of 1,613,764 alleles (0.00019%); highest among the groups gnomAD compares: Middle Eastern, 0.033%; no homozygotes.

Submissions (2):

Labcorp Genetics (formerly Invitae), Labcorp
Classification: Uncertain significance. Last evaluated: 2024-05-26. Review status: criteria provided, single submitter. Criteria: Invitae Variant Classification Sherloc (09022015). Collection method: clinical testing. Allele origin: germline.
Comment: This sequence change replaces alanine, which is neutral and non-polar, with glycine, which is neutral and non-polar, at codon 294 of the CDH2 protein (p.Ala294Gly). This variant is not present in population databases (gnomAD no frequency). This variant has not been reported in the literature in individuals affected with CDH2-related conditions. An algorithm developed to predict the effect of missense changes on protein structure and function (PolyPhen-2) suggests that this variant is likely to be tolerated. In summary, the available evidence is currently insufficient to determine the role of this variant in disease. Therefore, it has been classified as a Variant of Uncertain Significance.

Ambry Genetics
Classification: Uncertain significance for Inborn genetic diseases. Last evaluated: 2024-02-17. Review status: criteria provided, single submitter. Criteria: Ambry Variant Classification Scheme 2023. Collection method: clinical testing. Allele origin: germline.
Comment: The p.A294G variant (also known as c.881C>G), located in coding exon 7 of the CDH2 gene, results from a C to G substitution at nucleotide position 881. The alanine at codon 294 is replaced by glycine, an amino acid with similar properties. This amino acid position is conserved. In addition, this alteration is predicted to be tolerated by in silico analysis. Based on the available evidence, the clinical significance of this alteration remains unclear.

NM_001792.5(CDH2):c.881C>G (p.Ala294Gly)

Gene: CDH2 (cadherin 2; minus strand). Cytogenetic location: 18q12.1.
Variant type: single nucleotide variant.
Coding change: c.881C>G on transcript NM_001792.5 (MANE Select); coding-DNA position 881, C replaced by G.
Protein change: p.Ala294Gly; replaces alanine 294 with glycine.
Molecular consequence: missense variant.
Genome position (GRCh38, 1-based): chr18:28,003,136, G>C on the plus strand (C>G on the coding strand, the complement: CDH2 is on the minus strand). VCF-style: chr18-28003136-G-C. GRCh37 (hg19) VCF-style: chr18-25583100-G-C.
Other names: c.788C>G, p.Ala263Gly (NM_001308176.2); short protein forms A263G, A294G.
Identifiers: ClinVar variation 3221795 (VCV003221795.3), dbSNP rs761508961, ClinGen allele CA402242958.